The following is an entry in ClinVar:

ClinVar aggregate classification (germline): Uncertain significance (1 of 4 stars; one submission).

Submission:

Ambry Genetics
Classification: Uncertain significance. Last evaluated: 2025-10-11. Review status: criteria provided, single submitter. Criteria: Ambry Variant Classification Scheme 2023. Collection method: clinical testing. Allele origin: germline.
Comment: The p.L1105W variant (also known as c.3314T>G), located in coding exon 27 of the A2ML1 gene, results from a T to G substitution at nucleotide position 3314. The leucine at codon 1105 is replaced by tryptophan, an amino acid with similar properties. This amino acid position is conserved. In addition, the in silico prediction for this alteration is inconclusive. Based on the available evidence, the clinical significance of this variant remains unclear.

NM_144670.6(A2ML1):c.3314T>G (p.Leu1105Trp)

Gene: A2ML1 (alpha-2-macroglobulin like 1; plus strand). Cytogenetic location: 12p13.31.
Variant type: single nucleotide variant.
Coding change: c.3314T>G on transcript NM_144670.6 (MANE Select); coding-DNA position 3314, T replaced by G.
Protein change: p.Leu1105Trp; replaces leucine 1105 with tryptophan.
Molecular consequence: missense variant.
Genome position (GRCh38, 1-based): chr12:8,860,930, T>G. VCF-style: chr12-8860930-T-G. GRCh37 (hg19) VCF-style: chr12-9013526-T-G.
Other names: c.1841T>G, p.Leu614Trp (NM_001282424.3); short protein forms L1105W, L614W.
Identifiers: ClinVar variation 4635631 (VCV004635631.1).
Genomic context (GRCh38, chr12:8,860,930, plus strand): 5'-TTTGCCTCTAGGGTGGTGTTGATGATGAGGTCTCCTTGACTGCGTATGTCACAGCTGCAT[T>G]GCTGGAGATGGGAAAGGATGTAGATGTAAGTTCTCCTGGCTCCTGCTCTTGATACCCTCC-3'
Protein context (NP_653271.3, residues 1095-1115): VSLTAYVTAA[Leu1105Trp]LEMGKDVDDP